The following is an entry in ClinVar:

ClinVar aggregate classification (germline): Uncertain significance (1 of 4 stars; one submission).

Allele frequency attached by ClinVar (database versions not stated): gnomAD 0.00001; gnomAD exomes 0.00001; ExAC 0.00002.

Submission:

Labcorp Genetics (formerly Invitae), Labcorp
Classification: Uncertain significance. Last evaluated: 2025-04-17. Review status: criteria provided, single submitter. Criteria: Invitae Variant Classification Sherloc (09022015). Collection method: clinical testing. Allele origin: germline.
Comment: This sequence change replaces arginine, which is basic and polar, with glutamine, which is neutral and polar, at codon 852 of the TRPM1 protein (p.Arg852Gln). This variant is present in population databases (rs772982605, gnomAD 0.02%). This variant has not been reported in the literature in individuals affected with TRPM1-related conditions. ClinVar contains an entry for this variant (Variation ID: 1483775). Invitae Evidence Modeling of protein sequence and biophysical properties (such as structural, functional, and spatial information, amino acid conservation, physicochemical variation, residue mobility, and thermodynamic stability) indicates that this missense variant is not expected to disrupt TRPM1 protein function with a negative predictive value of 95%. In summary, the available evidence is currently insufficient to determine the role of this variant in disease. Therefore, it has been classified as a Variant of Uncertain Significance.

NM_001252024.2(TRPM1):c.2621G>A (p.Arg874Gln)

Genes: TRPM1 (transient receptor potential cation channel subfamily M member 1; minus strand), TRPM1-AS1 (TRPM1 antisense RNA 1; plus strand). Cytogenetic location: 15q13.3.
Variant type: single nucleotide variant.
Coding change: c.2621G>A on transcript NM_001252024.2 (MANE Select); coding-DNA position 2621, G replaced by A.
Protein change: p.Arg874Gln; replaces arginine 874 with glutamine.
Molecular consequence: missense variant.
Genome position (GRCh38, 1-based): chr15:31,035,625, C>T on the plus strand (G>A on the coding strand, the complement: TRPM1 is on the minus strand). VCF-style: chr15-31035625-C-T. GRCh37 (hg19) VCF-style: chr15-31327828-C-T.
Other names: c.2672G>A, p.Arg891Gln (NM_001252020.2); c.2555G>A, p.Arg852Gln (NM_002420.6); short protein forms R852Q, R874Q, R891Q.
Identifiers: ClinVar variation 1483775 (VCV001483775.5), dbSNP rs772982605, ClinGen allele CA7452126.